The following is an entry in ClinVar:

NM_000298.6(PKLR):c.307del (p.Arg103fs)

Gene: PKLR (pyruvate kinase L/R; minus strand). Cytogenetic location: 1q22.
Variant type: Deletion.
Coding change: c.307del on transcript NM_000298.6 (MANE Select); coding-DNA position 307, one base deleted (C; older notation c.307delC).
Protein change: p.Arg103fs; shifts the reading frame from arginine 103.
Molecular consequence: frameshift variant.
Genome position (GRCh38, 1-based): chr1:155,295,733, G deleted on the plus strand (C on the coding strand, the reverse complement: PKLR is on the minus strand). VCF-style (leftmost placement, unchanged base first): chr1-155295732-CG-C. GRCh37 (hg19) VCF-style: chr1-155265523-CG-C.
Other names: c.307delC (NM_000298.5, NM_000298.6); c.214del, p.Arg72fs (NM_181871.4); short protein forms R103fs, R72fs.
Identifiers: ClinVar variation 1163647 (VCV001163647.12), dbSNP rs1433205059, ClinGen allele CA526668664.

ClinVar aggregate classification (germline): Pathogenic/Likely pathogenic. Review status: criteria provided, multiple submitters, no conflicts (2 of 4 stars). 6 submissions from 6 submitters: Pathogenic (5); Likely pathogenic (1). Last evaluated 2026-02-16.

Conditions:
Pyruvate kinase deficiency of red cells (CNSHA2). Also called: Pyruvate kinase deficiency, Amish type; PK DEFICIENCY; PYRUVATE KINASE DEFICIENCY OF ERYTHROCYTE. Identifiers: Orphanet 766, MedGen C0340968, MONDO:0009950, OMIM 266200.

Allele frequency attached by ClinVar (database versions not stated): gnomAD exomes below 0.00001; gnomAD 0.00001; TOPMed 0.00003.

Submissions (6):

Women's Health and Genetics/Laboratory Corporation of America, LabCorp
Classification: Pathogenic for Pyruvate kinase deficiency of red cells. Last evaluated: 2026-02-16. Review status: criteria provided, single submitter. Criteria: LabCorp Variant Classification Summary - May 2015. Collection method: clinical testing. Allele origin: germline.
Comment: Variant summary: PKLR c.307delC (p.Arg103AlafsX5) results in a premature termination codon, predicted to cause a truncation of the encoded protein or absence of the protein due to nonsense mediated decay, which are commonly known mechanisms for disease. The variant allele was found at a frequency of 4e-06 in 251388 control chromosomes. c.307delC has been observed in at least one compound heterozygous individual affected with Pyruvate Kinase Deficiency Of Red Cells with significantly reduced Pyruvate kinase enzyme activity (e.g. Baronciani_1995). The following publication has been ascertained in the context of this evaluation (PMID: 7706479). ClinVar contains an entry for this variant (Variation ID: 1163647). Based on the evidence outlined above, the variant was classified as pathogenic.

Labcorp Genetics (formerly Invitae), Labcorp
Classification: Pathogenic. Last evaluated: 2026-01-16. Review status: criteria provided, single submitter. Criteria: Invitae Variant Classification Sherloc (09022015). Collection method: clinical testing. Allele origin: germline.
Comment: This sequence change creates a premature translational stop signal (p.Arg103Alafs*5) in the PKLR gene. It is expected to result in an absent or disrupted protein product. Loss-of-function variants in PKLR are known to be pathogenic (PMID: 15953013, 26832193). This variant is present in population databases (no rsID available, gnomAD 0.003%). This premature translational stop signal has been observed in individual(s) with pyruvate kinase deficiency (PMID: 7706479, 36007526). ClinVar contains an entry for this variant (Variation ID: 1163647). For these reasons, this variant has been classified as Pathogenic.

Revvity Omics, Revvity
Classification: Pathogenic. Last evaluated: 2024-11-06. Review status: criteria provided, single submitter. Criteria: ACMG Guidelines, 2015. Collection method: clinical testing. Allele origin: germline.

GeneDx
Classification: Pathogenic. Last evaluated: 2022-06-16. Review status: criteria provided, single submitter. Criteria: GeneDx Variant Classification Process June 2021. Collection method: clinical testing. Allele origin: germline. Affected: yes.
Comment: Frameshift variant predicted to result in protein truncation or nonsense mediated decay in a gene for which loss of function is a known mechanism of disease; Not observed at significant frequency in large population cohorts (gnomAD); This variant is associated with the following publications: (PMID: 7706479, 26832193)

Rady Children's Institute for Genomic Medicine, Rady Children's Hospital San Diego
Classification: Pathogenic for Pyruvate kinase deficiency. Last evaluated: 2020-05-15. Review status: criteria provided, single submitter. Criteria: ACMG Guidelines, 2015. Collection method: clinical testing. Allele origin: germline. Affected: yes.
Comment: This frameshifting variant in exon 3 of 11 introduces a premature stop codon and is therefore predicted to result in loss of normal protein function through either protein truncation or nonsense-mediated mRNA decay (NMD). This variant has not been previously reported or functionally characterized in the literature to our knowledge. It is present in the heterozygous state in the gnomAD population database at a frequency of 0.0004% (1/251388) and thus is presumed to be rare. Based on the available evidence, the c.307del (p.Arg103AlafsTer5) variant is classified as Pathogenic.

Mayo Clinic Laboratories, Mayo Clinic
Classification: Likely pathogenic. Last evaluated: 2020-04-28. Review status: criteria provided, single submitter. Criteria: ACMG Guidelines, 2015. Collection method: clinical testing. Allele origin: germline. Observed: 1 variant allele.
Comment: PVS1, PM2

Literature cited by the submitters: PubMed 7706479 (cited by Women's Health and Genetics/Laboratory Corporation of America, LabCorp and Labcorp Genetics (formerly Invitae), Labcorp); PubMed 15953013 (cited by Labcorp Genetics (formerly Invitae), Labcorp); PubMed 26832193 (cited by Labcorp Genetics (formerly Invitae), Labcorp and Mayo Clinic Laboratories, Mayo Clinic); PubMed 36007526 (cited by Labcorp Genetics (formerly Invitae), Labcorp).